The following is an entry in ClinVar:

NM_000255.4(MMUT):c.*101G>A

Gene: MMUT (methylmalonyl-CoA mutase; minus strand). Cytogenetic location: 6p12.3.
Variant type: single nucleotide variant.
Coding change: c.*101G>A on transcript NM_000255.4 (MANE Select); 101 bases downstream of the stop codon, G replaced by A.
Molecular consequence: 3 prime UTR variant.
Genome position (GRCh38, 1-based): chr6:49,431,627, C>T on the plus strand (G>A on the coding strand, the complement: MMUT is on the minus strand). VCF-style: chr6-49431627-C-T. GRCh37 (hg19) VCF-style: chr6-49399340-C-T.
Identifiers: ClinVar variation 357252 (VCV000357252.6), dbSNP rs113025987, ClinGen allele CA10627097.

ClinVar aggregate classification (germline): Likely benign. Review status: criteria provided, multiple submitters, no conflicts (2 of 4 stars). 2 submissions from 2 submitters: Likely benign (2). Last evaluated 2018-01-12.

Conditions:
Methylmalonic aciduria due to methylmalonyl-CoA mutase deficiency (MAMM). Also called: Methylmalonic aciduria, mut type. Identifiers: Orphanet 27, MedGen C1855114, MONDO:0009612, OMIM 251000.

Allele frequency attached by ClinVar (database versions not stated): gnomAD 0.00301 and 0.00315; TOPMed 0.00346; 1000 Genomes Project 0.00399; 1000 Genomes Project 30x 0.00406.
gnomAD v4.1: 1,725 of 1,279,278 alleles (0.13%); highest among the groups gnomAD compares: African/African-American, 0.77%; 10 homozygotes.

Submissions (2):

Illumina Laboratory Services, Illumina
Classification: Likely benign for Methylmalonic aciduria due to methylmalonyl-CoA mutase deficiency. Last evaluated: 2018-01-12. Review status: criteria provided, single submitter. Criteria: ICSL Variant Classification Criteria 13 December 2019. Collection method: clinical testing. Allele origin: germline.
Comment: This variant was observed in the ICSL laboratory as part of a predisposition screen in an ostensibly healthy population. It had not been previously curated by ICSL or reported in the Human Gene Mutation Database (HGMD: prior to June 1st, 2018), and was therefore a candidate for classification through an automated scoring system. Utilizing variant allele frequency, disease prevalence and penetrance estimates, and inheritance mode, an automated score was calculated to assess if this variant is too frequent to cause the disease. Based on the score and internal cut-off values, a variant classified as likely benign is not then subjected to further curation. The score for this variant resulted in a classification of likely benign for this disease.

Breakthrough Genomics
Classification: Likely benign. Review status: criteria provided, single submitter. Criteria: ACMG Guidelines, 2015. Collection method: not provided. Allele origin: germline. Inheritance: Autosomal recessive inheritance. Affected: yes.